The following is an entry in ClinVar:

NM_021240.4(DMRT3):c.649C>T (p.Arg217Cys)

Gene: DMRT3 (doublesex and mab-3 related transcription factor 3; plus strand). Cytogenetic location: 9p24.3.
Variant type: single nucleotide variant.
Coding change: c.649C>T on transcript NM_021240.4 (MANE Select); coding-DNA position 649, C replaced by T.
Protein change: p.Arg217Cys; replaces arginine 217 with cysteine.
Molecular consequence: missense variant.
Genome position (GRCh38, 1-based): chr9:990,235, C>T. VCF-style: chr9-990235-C-T. GRCh37 (hg19) VCF-style: chr9-990235-C-T.
Other names: short protein forms R217C.
Identifiers: ClinVar variation 782115 (VCV000782115.29), dbSNP rs61737966, ClinGen allele CA4962008.

ClinVar aggregate classification (germline): Likely benign. Review status: criteria provided, multiple submitters, no conflicts (2 of 4 stars). 3 submissions from 3 submitters: Likely benign (3). Last evaluated 2023-04-01.

Allele frequency attached by ClinVar (database versions not stated): gnomAD exomes 0.00602 and 0.00437; TOPMed 0.00428; ExAC 0.00431; 1000 Genomes Project 30x 0.00187; 1000 Genomes Project 0.00200; ESP Exome Variant Server 0.00469; gnomAD 0.00477 and 0.00489.
gnomAD v4.1: 9,450 of 1,614,014 alleles (0.59%); highest among the groups gnomAD compares: Non-Finnish European, 0.71%; 42 homozygotes.

Submissions (3):

CeGaT Center for Human Genetics Tuebingen
Classification: Likely benign. Last evaluated: 2023-04-01. Review status: criteria provided, single submitter. Criteria: CeGaT Center For Human Genetics Tuebingen Variant Classification Criteria Version 2. Collection method: clinical testing. Allele origin: germline. Affected: yes. Observed: 2 variant alleles.
Comment: DMRT3: BP4, BS2

Labcorp Genetics (formerly Invitae), Labcorp
Classification: Likely benign. Last evaluated: 2019-12-31. Review status: criteria provided, single submitter. Criteria: Invitae Variant Classification Sherloc (09022015). Collection method: clinical testing. Allele origin: germline.

Breakthrough Genomics
Classification: Likely benign. Review status: criteria provided, single submitter. Criteria: ACMG Guidelines, 2015. Collection method: not provided. Allele origin: germline. Inheritance: Unknown mechanism. Affected: yes.